The following is an entry in ClinVar:

ClinVar aggregate classification (germline): Uncertain significance. Review status: criteria provided, multiple submitters, no conflicts (2 of 4 stars). 2 submissions from 2 submitters: Uncertain significance (2). Last evaluated 2022-10-24.

Conditions:
Abetalipoproteinaemia (ABL). Also called: MTP DEFICIENCY; Abetalipoproteinemia; Abetalipoproteinemia neuropathy; Apolipoprotein B deficiency; Congenital betalipoprotein deficiency syndrome. Identifiers: Orphanet 14, MedGen C0000744, MONDO:0008692, OMIM 200100, HP:0008181.
Metabolic syndrome X (AOMS1). Also called: Abdominal obesity-metabolic syndrome 1. Identifiers: MedGen C4552048, MONDO:0011565, OMIM 605552.

Allele frequency attached by ClinVar (database versions not stated): gnomAD exomes 0.00001 and 0.00004; gnomAD 0.00014 and 0.00015; TOPMed 0.00022.
gnomAD v4.1: 34 of 1,612,914 alleles (0.0021%); highest among the groups gnomAD compares: Admixed American, 0.05%; no homozygotes.

Submissions (2):

Labcorp Genetics (formerly Invitae), Labcorp
Classification: Uncertain significance. Last evaluated: 2022-10-24. Review status: criteria provided, single submitter. Criteria: Invitae Variant Classification Sherloc (09022015). Collection method: clinical testing. Allele origin: germline.
Comment: This sequence change replaces threonine, which is neutral and polar, with isoleucine, which is neutral and non-polar, at codon 434 of the MTTP protein (p.Thr434Ile). This variant is present in population databases (no rsID available, gnomAD 0.03%). This variant has not been reported in the literature in individuals affected with MTTP-related conditions. ClinVar contains an entry for this variant (Variation ID: 1358938). Advanced modeling of protein sequence and biophysical properties (such as structural, functional, and spatial information, amino acid conservation, physicochemical variation, residue mobility, and thermodynamic stability) performed at Invitae indicates that this missense variant is not expected to disrupt MTTP protein function. In summary, the available evidence is currently insufficient to determine the role of this variant in disease. Therefore, it has been classified as a Variant of Uncertain Significance.

Fulgent Genetics
Classification: Uncertain significance for Abetalipoproteinaemia; Metabolic syndrome X. Last evaluated: 2022-01-12. Review status: criteria provided, single submitter. Criteria: ACMG Guidelines, 2015. Collection method: clinical testing. Allele origin: unknown.

NM_001386140.1(MTTP):c.1301C>T (p.Thr434Ile)

Gene: MTTP (microsomal triglyceride transfer protein; plus strand). Cytogenetic location: 4q23.
Variant type: single nucleotide variant.
Coding change: c.1301C>T on transcript NM_001386140.1 (MANE Select); coding-DNA position 1301, C replaced by T.
Protein change: p.Thr434Ile; replaces threonine 434 with isoleucine.
Molecular consequence: missense variant.
Genome position (GRCh38, 1-based): chr4:99,601,671, C>T. VCF-style: chr4-99601671-C-T. GRCh37 (hg19) VCF-style: chr4-100522828-C-T.
Other names: c.1301C>T, p.Thr434Ile (NM_000253.4); c.1052C>T, p.Thr351Ile (NM_001300785.2); short protein forms T434I, T351I.
Identifiers: ClinVar variation 1358938 (VCV001358938.6), dbSNP rs1467372840, ClinGen allele CA357509412.